The following is an entry in ClinVar:

NM_006206.6(PDGFRA):c.2988_2990del (p.Glu997del)

Gene: PDGFRA (platelet derived growth factor receptor alpha; plus strand). Cytogenetic location: 4q12.
Variant type: Deletion.
Coding change: c.2988_2990del on transcript NM_006206.6 (MANE Select); coding-DNA positions 2988 to 2990, 3 bases deleted (GGA; older notation c.2988_2990delGGA).
Protein change: p.Glu997del; deletes glutamic acid 997.
Molecular consequence: inframe deletion.
Genome position (GRCh38, 1-based): chr4:54,290,420-54,290,422, GGA deleted; deleting any 3 consecutive bases within chr4:54,290,418-54,290,422 gives the same sequence; the c. name uses the placement nearest the transcript's 3' end. VCF-style (leftmost placement, unchanged base first): chr4-54290417-CGAG-C. GRCh37 (hg19) VCF-style: chr4-55156584-CGAG-C.
Other names: c.2988_2990del (NM_006206.4); c.3063_3065del, p.Glu1022del (NM_001347828.2); c.2988_2990del, p.Glu997del (NM_001347829.2); c.3027_3029del, p.Glu1010del (NM_001347830.2); c.2988_2990delGGA (NM_006206.5); short protein forms E997del, E1010del, E1022del.
Identifiers: ClinVar variation 459079 (VCV000459079.13), dbSNP rs781561737, ClinGen allele CA2923006.
Genomic context (GRCh38, chr4:54,290,417, plus strand): 5'-TGCTGTGGCACGCATGCGTGTGGACTCAGACAATGCATACATTGGTGTCACCTACAAAAA[CGAG>C]GAAGACAAGCTGAAGGACTGGGAGGGTGGTCTGGATGAGCAGAGACTGAGCGCTGACAGT-3'

ClinVar aggregate classification (germline): Uncertain significance. Review status: criteria provided, multiple submitters, no conflicts (2 of 4 stars). 4 submissions from 4 submitters: Uncertain significance (4). Last evaluated 2026-01-25.

Conditions:
PDGFRA-related disorder. Also called: PDGFRA-related condition.
Hereditary cancer-predisposing syndrome. Also called: Tumor predisposition; Hereditary neoplastic syndrome; Neoplastic Syndromes, Hereditary; Hereditary Cancer Syndrome. Identifiers: Orphanet 140162, MedGen C0027672, MeSH D009386, MONDO:0015356.
Gastrointestinal stromal tumor. Also called: Gastrointestinal stroma tumor; Gastrointestinal stromal tumor, somatic. Identifiers: Orphanet 44890, MedGen C0238198, MeSH D046152, MONDO:0011719, OMIM 606764, HP:0100723.

Submissions (4):

Labcorp Genetics (formerly Invitae), Labcorp
Classification: Uncertain significance for Gastrointestinal stromal tumor. Last evaluated: 2026-01-25. Review status: criteria provided, single submitter. Criteria: Invitae Variant Classification Sherloc (09022015). Collection method: clinical testing. Allele origin: germline.
Comment: This variant, c.2988_2990del, results in the deletion of 1 amino acid(s) of the PDGFRA protein (p.Glu997del), but otherwise preserves the integrity of the reading frame. This variant is present in population databases (rs781561737, gnomAD 0.01%). This variant has not been reported in the literature in individuals affected with PDGFRA-related conditions. ClinVar contains an entry for this variant (Variation ID: 459079). Experimental studies and prediction algorithms are not available or were not evaluated, and the functional significance of this variant is currently unknown. In summary, the available evidence is currently insufficient to determine the role of this variant in disease. Therefore, it has been classified as a Variant of Uncertain Significance.

Ambry Genetics
Classification: Uncertain significance for Hereditary cancer-predisposing syndrome. Last evaluated: 2025-01-02. Review status: criteria provided, single submitter. Criteria: Ambry Variant Classification Scheme 2023. Collection method: clinical testing. Allele origin: germline.
Comment: The c.2988_2990delGGA variant (also known as p.E997del) is located in coding exon 21 of the PDGFRA gene. This variant results from an in-frame GGA deletion at nucleotide positions 2988 to 2990. This results in the in-frame deletion of a glutamic acid at codon 997. This amino acid position is well conserved in available vertebrate species. In addition, this alteration is predicted to be neutral by in silico analysis (Choi Y et al. PLoS ONE. 2012; 7(10):e46688). Based on the available evidence, the clinical significance of this variant remains unclear.

GeneDx
Classification: Uncertain significance. Last evaluated: 2023-05-30. Review status: criteria provided, single submitter. Criteria: GeneDx Variant Classification Process June 2021. Collection method: clinical testing. Allele origin: germline. Affected: yes.
Comment: In-frame deletion of 1 amino acid in a non-repeat region; In silico analysis supports a deleterious effect on protein structure/function; Not observed at significant frequency in large population cohorts (gnomAD); Has not been previously published as pathogenic or benign to our knowledge

PreventionGenetics, part of Exact Sciences
Classification: Uncertain significance for PDGFRA-related condition. Last evaluated: 2022-11-23. Review status: criteria provided, single submitter. Criteria: ACMG Guidelines, 2015. Collection method: clinical testing. Allele origin: germline.
Comment: The PDGFRA c.2988_2990delGGA variant is predicted to result in an in-frame deletion (p.Glu997del). To our knowledge, this variant has not been reported in the literature. This variant is reported in 0.0096% of alleles in individuals of Ashkenazi Jewish descent in gnomAD. At this time, the clinical significance of this variant is uncertain due to the absence of conclusive functional and genetic evidence.